The following is an entry in ClinVar:

NM_000038.6(APC):c.6684G>A (p.Arg2228=)

Gene: APC (APC regulator of Wnt signaling pathway; plus strand). Cytogenetic location: 5q22.2.
Variant type: single nucleotide variant.
Coding change: c.6684G>A on transcript NM_000038.6 (MANE Select); coding-DNA position 6684, G replaced by A.
Protein change: p.Arg2228=; no amino-acid change (arginine 2228 retained).
Molecular consequence: synonymous variant.
Genome position (GRCh38, 1-based): chr5:112,842,278, G>A. VCF-style: chr5-112842278-G-A. GRCh37 (hg19) VCF-style: chr5-112177975-G-A.
Other names: c.6684G>A, p.Arg2228= (NM_001127510.3, NM_001354895.2); c.6630G>A, p.Arg2210= (NM_001127511.3); c.6738G>A, p.Arg2246= (NM_001354896.2); c.6714G>A, p.Arg2238= (NM_001354897.2); c.6609G>A, p.Arg2203= (NM_001354898.2); c.6600G>A, p.Arg2200= (NM_001354899.2); c.6561G>A, p.Arg2187= (NM_001354900.2); c.6507G>A, p.Arg2169= (NM_001354901.2); and 5 more.
Identifiers: ClinVar variation 186493 (VCV000186493.20), dbSNP rs752314977, ClinGen allele CA012389.

ClinVar aggregate classification (germline): Benign/Likely benign. Review status: criteria provided, multiple submitters, no conflicts (2 of 4 stars). 8 submissions from 8 submitters: Benign (1); Likely benign (7). Last evaluated 2026-01-20.

Conditions:
Classic or attenuated familial adenomatous polyposis. Identifiers: MedGen CN372698, MONDO:0021057.
APC-related disorder. Also called: APC-related condition.
Hereditary cancer-predisposing syndrome. Also called: Neoplastic Syndromes, Hereditary; Tumor predisposition; Hereditary neoplastic syndrome; Hereditary Cancer Syndrome. Identifiers: Orphanet 140162, MedGen C0027672, MeSH D009386, MONDO:0015356.
Familial adenomatous polyposis 1 (FAP1). Also called: FAMILIAL ADENOMATOUS POLYPOSIS 1, ATTENUATED; POLYPOSIS, ADENOMATOUS INTESTINAL. Identifiers: MedGen C2713442, MONDO:0021056, OMIM 175100. Disease mechanism: loss of function.

Allele frequency attached by ClinVar (database versions not stated): ExAC 0.00001; gnomAD 0.00001; gnomAD exomes 0.00001; TOPMed 0.00001.
gnomAD v4.1: 3 of 1,613,884 alleles (0.00019%); highest among the groups gnomAD compares: Admixed American, 0.0033%; no homozygotes.

Submissions (8):

Labcorp Genetics (formerly Invitae), Labcorp
Classification: Likely benign for Familial adenomatous polyposis 1. Last evaluated: 2026-01-20. Review status: criteria provided, single submitter. Criteria: Invitae Variant Classification Sherloc (09022015). Collection method: clinical testing. Allele origin: germline.

PreventionGenetics, part of Exact Sciences
Classification: Likely benign for APC-related condition. Last evaluated: 2025-12-13. Review status: criteria provided, single submitter. Criteria: ACMG Guidelines, 2015. Collection method: clinical testing. Allele origin: germline.
Comment: This variant is classified as likely benign based on ACMG/AMP sequence variant interpretation guidelines (Richards et al. 2015 PMID: 25741868, with internal and published modifications).

Myriad Genetics, Inc.
Classification: Benign for Familial adenomatous polyposis 1. Last evaluated: 2024-04-05. Review status: criteria provided, single submitter. Criteria: Myriad Autosomal Dominant, Autosomal Recessive and X-Linked Classification Criteria (2023). Collection method: clinical testing. Allele origin: unknown.
Comment: This variant is considered benign. This variant is a silent/synonymous amino acid change and it is not expected to impact splicing.

All of Us Research Program, National Institutes of Health
Classification: Likely benign for Classic or attenuated familial adenomatous polyposis. Last evaluated: 2023-11-30. Review status: criteria provided, single submitter. Criteria: ACMG Guidelines, 2015. Collection method: clinical testing. Allele origin: germline. Inheritance: Autosomal dominant inheritance. Observed: 1 variant allele, 1 heterozygote.
Comment: This study involves interpretation of variants in research participants for the purpose of population health screening. Participant phenotype was not available at the time of variant classification. Additional details can be found in publication PMID: 35346344, PMCID: PMC8962531

Sema4
Classification: Likely benign for Hereditary cancer-predisposing syndrome. Last evaluated: 2021-10-11. Review status: criteria provided, single submitter. Criteria: Sema4 Curation Guidelines. Collection method: curation. Allele origin: germline.

Quest Diagnostics Nichols Institute San Juan Capistrano
Classification: Likely benign. Last evaluated: 2021-03-30. Review status: criteria provided, single submitter. Criteria: Quest Diagnostics criteria. Collection method: clinical testing. Allele origin: unknown.

Color Diagnostics, LLC DBA Color Health
Classification: Likely benign for Hereditary cancer-predisposing syndrome. Last evaluated: 2019-05-31. Review status: criteria provided, single submitter. Criteria: ACMG Guidelines, 2015. Collection method: clinical testing. Allele origin: germline.

Ambry Genetics
Classification: Likely benign for Hereditary cancer-predisposing syndrome. Last evaluated: 2014-10-10. Review status: criteria provided, single submitter. Criteria: Ambry Variant Classification Scheme 2023. Collection method: clinical testing. Allele origin: germline.